The following is an entry in ClinVar:

ClinVar aggregate classification (germline): Uncertain significance (1 of 4 stars; one submission).

Allele frequency attached by ClinVar (database versions not stated): gnomAD exomes below 0.00001; gnomAD 0.00002.
gnomAD v4.1: 5 of 1,614,082 alleles (0.00031%); highest among the groups gnomAD compares: African/African-American, 0.0053%; no homozygotes.

Submission:

Labcorp Genetics (formerly Invitae), Labcorp
Classification: Uncertain significance. Last evaluated: 2022-10-28. Review status: criteria provided, single submitter. Criteria: Invitae Variant Classification Sherloc (09022015). Collection method: clinical testing. Allele origin: germline.
Comment: In summary, the available evidence is currently insufficient to determine the role of this variant in disease. Therefore, it has been classified as a Variant of Uncertain Significance. Algorithms developed to predict the effect of missense changes on protein structure and function (SIFT, PolyPhen-2, Align-GVGD) all suggest that this variant is likely to be tolerated. ClinVar contains an entry for this variant (Variation ID: 1051859). This missense change has been observed in individual(s) with clinical features of TOPORS-related conditions (Invitae). This sequence change replaces valine, which is neutral and non-polar, with isoleucine, which is neutral and non-polar, at codon 211 of the TOPORS protein (p.Val211Ile). This variant is present in population databases (no rsID available, gnomAD 0.01%).

NM_005802.5(TOPORS):c.631G>A (p.Val211Ile)

Gene: TOPORS (TOP1 binding arginine/serine rich protein, E3 ubiquitin ligase; minus strand). Cytogenetic location: 9p21.1.
Variant type: single nucleotide variant.
Coding change: c.631G>A on transcript NM_005802.5 (MANE Select); coding-DNA position 631, G replaced by A.
Protein change: p.Val211Ile; replaces valine 211 with isoleucine.
Molecular consequence: missense variant.
Genome position (GRCh38, 1-based): chr9:32,543,894, C>T on the plus strand (G>A on the coding strand, the complement: TOPORS is on the minus strand). VCF-style: chr9-32543894-C-T. GRCh37 (hg19) VCF-style: chr9-32543892-C-T.
Other names: c.436G>A, p.Val146Ile (NM_001195622.2); short protein forms V146I, V211I.
Identifiers: ClinVar variation 1051859 (VCV001051859.10), dbSNP rs1309101346, ClinGen allele CA373172226.